The following is an entry in ClinVar:

NM_004004.6(GJB2):c.31_68del (p.Gly11fs)

Gene: GJB2 (gap junction protein beta 2; minus strand). Cytogenetic location: 13q12.11.
Variant type: Deletion.
Coding change: c.31_68del on transcript NM_004004.6 (MANE Select); coding-DNA positions 31 to 68, 38 bases deleted.
Protein change: p.Gly11fs; shifts the reading frame from glycine 11.
Genome position (GRCh38, 1-based): chr13:20,189,514-20,189,551, 38 bases deleted. GRCh37 (hg19): chr13:20,763,653-20,763,690.
Other names: c.31_68delGGGGGTGTGAACAAACACTCCACCAGCATTGGAAAGAT (NM_004004.5); short protein forms G11fs.
Identifiers: ClinVar variation 44738 (VCV000044738.55), dbSNP rs397516873, ClinGen allele CA261644.

ClinVar aggregate classification (germline): Pathogenic. Review status: criteria provided, multiple submitters, no conflicts (2 of 4 stars). 11 submissions from 10 submitters: Pathogenic (9). 2 of the submissions do not count toward it. Last evaluated 2026-01-31.

Conditions:
GJB2-related disorder. Also called: GJB2-related condition; GJB2-related disorders. Identifiers: MedGen CN382183, MONDO:1060236.
Rare genetic deafness. Identifiers: Orphanet 96210, MedGen C5680250.
Nonsyndromic genetic hearing loss. Also called: Non-syndromic genetic deafness; Nonsyndromic hearing loss and deafness; Nonsyndromic genetic deafness. Identifiers: Orphanet 87884, MedGen C5680182, MONDO:0019497.
Autosomal dominant nonsyndromic hearing loss 3A. Identifiers: Orphanet 90635, MedGen C2675750, MONDO:0011103, OMIM 601544.
Autosomal recessive nonsyndromic hearing loss 1A (DFNB1A). Also called: GJB6-Related DFNB 1 Nonsyndromic Hearing Loss and Deafness; Deafness, autosomal recessive 1A; Nonsyndromic Hearing Loss and Deafness, DFNB1; GJB2-Related Autosomal Recessive Nonsyndromic Hearing Loss; Connexin 26 deafness; Deafness nonsyndromic, Connexin 26 linked. Identifiers: Orphanet 90636, MedGen C2673759, MONDO:0009076, OMIM 220290.

Allele frequency attached by ClinVar (database versions not stated): gnomAD 0.00001; gnomAD exomes 0.00002; TOPMed 0.00002; ExAC 0.00003.

Submissions (11):

Labcorp Genetics (formerly Invitae), Labcorp
Classification: Pathogenic. Last evaluated: 2026-01-31. Review status: criteria provided, single submitter. Criteria: Invitae Variant Classification Sherloc (09022015). Collection method: clinical testing. Allele origin: germline.
Comment: This sequence change creates a premature translational stop signal (p.Gly11Leufs*24) in the GJB2 gene. While this is not anticipated to result in nonsense mediated decay, it is expected to disrupt the last 216 amino acid(s) of the GJB2 protein. This variant is present in population databases (rs397516873, gnomAD 0.005%). This premature translational stop signal has been observed in individual(s) with autosomal recessive non-syndromic deafness (PMID: 9336442, 12189487, 16380907, 21465647, 25214170). This variant is also known as 31del38. ClinVar contains an entry for this variant (Variation ID: 44738). This variant disrupts a region of the GJB2 protein in which other variant(s) (p.Leu213*) have been determined to be pathogenic (PMID: 23141775). This suggests that this is a clinically significant region of the protein, and that variants that disrupt it are likely to be disease-causing. For these reasons, this variant has been classified as Pathogenic.

PreventionGenetics, part of Exact Sciences
Classification: Pathogenic for GJB2-related condition. Last evaluated: 2025-11-06. Review status: criteria provided, single submitter. Criteria: ACMG Guidelines, 2015. Collection method: clinical testing. Allele origin: germline.
Comment: The GJB2 c.31_68del38 variant is predicted to result in a frameshift and premature protein termination (p.Gly11Leufs*24). This variant was reported in several individuals with autosomal recessive deafness (Denoyelle et al. 1997. PubMed ID: 9336442; Dodson et al. 2011. PubMed ID: 21465647; Tang et al. 2006. PubMed ID: 17041943). This variant is reported in 0.0045% of alleles in individuals of European (Non-Finnish) descent in gnomAD. Frameshift variants in GJB2 are expected to be pathogenic and this variant has been consistently classified as pathogenic or likely pathogenic in ClinVar (Variation ID: 44738). This variant is interpreted as pathogenic.

Natera, Inc.
Classification: Pathogenic for Autosomal recessive deafness type 1A. Last evaluated: 2024-11-29. Review status: criteria provided, single submitter. Criteria: Natera Variant Classification Schema (03/2026). Collection method: clinical testing. Allele origin: germline.
Comment: The c.31_68delGGGGGTGTGAACAAACACTCCACCAGCATTGGAAAGAT variant in GJB2 is a frameshift variant predicted to shift the reading frame beginning at codon 11 and leads to a stop codon 24 codons downstream. This variant is expected to result in nonsense mediated decay, truncation, or a dysfunctional protein product. This variant is rare in the general population with a frequency below the threshold expected for the associated phenotype(s). This variant has been observed in one or more individuals affected with the associated recessive disease, as either homozygous or compound heterozygous with a second variant (PMID: 12189487). Given the available evidence, this variant is classified as Pathogenic.

GeneDx
Classification: Pathogenic. Last evaluated: 2024-10-18. Review status: criteria provided, single submitter. Criteria: GeneDx Variant Classification Process June 2021. Collection method: clinical testing. Allele origin: germline. Affected: yes.
Comment: Frameshift variant predicted to result in protein truncation or nonsense mediated decay in a gene for which loss-of-function is a known mechanism of disease; This variant is associated with the following publications: (PMID: 9336442, 12189487, 21465647, 25214170, 16380907)

Blueprint Genetics
Classification: Pathogenic for GJB2-related disorders. Last evaluated: 2022-01-25. Review status: criteria provided, single submitter. Criteria: ACMG Guidelines, 2015. Collection method: clinical testing. Allele origin: germline. Affected: yes. Observed: 2 variant alleles.

CeGaT Center for Human Genetics Tuebingen
Classification: Pathogenic. Last evaluated: 2021-09-01. Review status: criteria provided, single submitter. Criteria: CeGaT Center For Human Genetics Tuebingen Variant Classification Criteria Version 2. Collection method: clinical testing. Allele origin: germline. Affected: yes. Observed: 1 variant allele.

Women's Health and Genetics/Laboratory Corporation of America, LabCorp
Classification: Pathogenic for Nonsyndromic genetic hearing loss. Last evaluated: 2021-06-09. Review status: criteria provided, single submitter. Criteria: LabCorp Variant Classification Summary - May 2015. Collection method: clinical testing. Allele origin: germline.
Comment: Variant summary: GJB2 c.31_68del38 (p.Gly11LeufsX24) results in a premature termination codon, predicted to cause a truncation of the encoded protein or absence of the protein due to nonsense mediated decay, which are commonly known mechanisms for disease. Truncations downstream of this position have been classified as pathogenic by our laboratory. The variant allele was found at a frequency of 2e-05 in 250064 control chromosomes. c.31_68del38 has been reported in the literature in multiple individuals affected with Non-Syndromic Hearing Loss (e.g. Denoyelle_1997, Janecke_2002, Dodson_2011, Beck_2015). These data indicate that the variant is very likely to be associated with disease. To our knowledge, no experimental evidence demonstrating an impact on protein function has been reported. Three other clinical diagnostic laboratories have submitted clinical-significance assessments for this variant to ClinVar after 2014 without evidence for independent evaluation. All laboratories cited the variant as pathogenic/likely pathogenic. Based on the evidence outlined above, the variant was classified as pathogenic.

Athena Diagnostics
Classification: Pathogenic. Last evaluated: 2017-03-07. Review status: criteria provided, single submitter. Criteria: Athena Diagnostics Criteria. Collection method: clinical testing. Allele origin: germline.

Laboratory for Molecular Medicine, Mass General Brigham Personalized Medicine
Classification: Pathogenic for Rare genetic deafness. Last evaluated: 2012-04-17. Review status: criteria provided, single submitter. Criteria: LMM Criteria. Collection method: clinical testing. Allele origin: germline. Inheritance: Autosomal recessive inheritance. Observed: 1 variant allele.
Comment: The Gly11fs variant in GJB2 has been reported in one individual with hearing los s (Denoyelle 1997). This frameshift variant is predicted to alter the protein?s amino acid sequence beginning at position 11 and lead to a premature termination codon 24 amino acids downstream. This alteration is then predicted to lead to a truncated or absent protein. In summary, this variant meets our criteria to be classified as pathogenic.

Counsyl
Classification: Likely pathogenic for Autosomal recessive nonsyndromic hearing loss 1A. Last evaluated: 2016-03-14. Review status: no assertion criteria provided. Collection method: clinical testing. Allele origin: unknown. Not counted in ClinVar's aggregate classification.

Counsyl
Classification: Likely pathogenic for Autosomal dominant nonsyndromic hearing loss 3A. Last evaluated: 2016-03-14. Review status: no assertion criteria provided. Collection method: clinical testing. Allele origin: unknown. Not counted in ClinVar's aggregate classification.

Literature cited by the submitters: PubMed 9336442 (cited by 4 submitters); PubMed 12189487 (cited by 4 submitters); PubMed 16380907 (cited by Labcorp Genetics (formerly Invitae), Labcorp and Counsyl); PubMed 21465647 (cited by 3 submitters); PubMed 25214170 (cited by 3 submitters); PubMed 23141775 (cited by Labcorp Genetics (formerly Invitae), Labcorp); PubMed 9529365 (cited by Athena Diagnostics).